The following is an entry in ClinVar:

ClinVar aggregate classification (germline): Conflicting classifications of pathogenicity. Review status: criteria provided, conflicting classifications (1 of 4 stars). 4 submissions from 4 submitters: Uncertain significance (3); Likely benign (1). Last evaluated 2024-11-06.

Conditions:
Inborn genetic diseases. Identifiers: MedGen C0950123, MeSH D030342.

Allele frequency attached by ClinVar (database versions not stated): 1000 Genomes Project 30x 0.00016; 1000 Genomes Project 0.00020; TOPMed 0.00041; gnomAD exomes 0.00042 and 0.00053; ESP Exome Variant Server 0.00046; gnomAD 0.00050 and 0.00052; ExAC 0.00055.
gnomAD v4.1: 674 of 1,547,032 alleles (0.044%); highest among the groups gnomAD compares: Middle Eastern, 0.068%; 1 homozygote.

Submissions (4):

Blueprint Genetics
Classification: Likely benign. Last evaluated: 2024-11-06. Review status: criteria provided, single submitter. Criteria: ACMG Guidelines, 2015. Collection method: clinical testing. Allele origin: germline.

GeneDx
Classification: Uncertain significance. Last evaluated: 2022-12-28. Review status: criteria provided, single submitter. Criteria: GeneDx Variant Classification Process June 2021. Collection method: clinical testing. Allele origin: germline. Affected: yes.
Comment: Identified in the single heterozygous state in a patient from a registry of patients with differences of sex development, however, this individual had variants identified in other genes, and additional clinical and segregation information were not included (Globa et al., 2022); In silico analysis supports that this missense variant does not alter protein structure/function; This variant is associated with the following publications: (PMID: 35432193)

Labcorp Genetics (formerly Invitae), Labcorp
Classification: Uncertain significance. Last evaluated: 2022-10-17. Review status: criteria provided, single submitter. Criteria: Invitae Variant Classification Sherloc (09022015). Collection method: clinical testing. Allele origin: germline.
Comment: This sequence change replaces isoleucine, which is neutral and non-polar, with valine, which is neutral and non-polar, at codon 386 of the TRAF3IP1 protein (p.Ile386Val). This variant is present in population databases (rs144535537, gnomAD 0.2%), and has an allele count higher than expected for a pathogenic variant. This variant has not been reported in the literature in individuals affected with TRAF3IP1-related conditions. ClinVar contains an entry for this variant (Variation ID: 970438). Algorithms developed to predict the effect of missense changes on protein structure and function output the following: SIFT: "Deleterious"; PolyPhen-2: "Benign"; Align-GVGD: "Class C0". The valine amino acid residue is found in multiple mammalian species, which suggests that this missense change does not adversely affect protein function. In summary, the available evidence is currently insufficient to determine the role of this variant in disease. Therefore, it has been classified as a Variant of Uncertain Significance.

Ambry Genetics
Classification: Uncertain significance for Inborn genetic diseases. Last evaluated: 2021-10-22. Review status: criteria provided, single submitter. Criteria: Ambry Variant Classification Scheme 2023. Collection method: clinical testing. Allele origin: germline.

NM_015650.4(IFT54):c.1156A>G (p.Ile386Val)

Gene: IFT54 (intraflagellar transport 54; plus strand). Cytogenetic location: 2q37.3.
Variant type: single nucleotide variant.
Coding change: c.1156A>G on transcript NM_015650.4 (MANE Select); coding-DNA position 1156, A replaced by G.
Protein change: p.Ile386Val; replaces isoleucine 386 with valine.
Molecular consequence: missense variant. On other transcripts: intron variant (1).
Genome position (GRCh38, 1-based): chr2:238,338,454, A>G. VCF-style: chr2-238338454-A-G. GRCh37 (hg19) VCF-style: chr2-239247095-A-G.
Other names: c.1063+4419A>G (NM_001139490.1); short protein forms I386V.
Identifiers: ClinVar variation 970438 (VCV000970438.8), dbSNP rs144535537, ClinGen allele CA2198289.